The following is an entry in ClinVar:

ClinVar aggregate classification (germline): Likely pathogenic (1 of 4 stars; one submission).

Conditions:
Autosomal dominant intellectual disability-craniofacial anomalies-cardiac defects syndrome (ARTHS). Also called: KAT6A syndrome; Arboleda-Tham syndrome; Mental retardation, autosomal dominant 32. Identifiers: Orphanet 457193, MedGen C4225396, MONDO:0014558, OMIM 616268.

Submission:

Department of Rehabilitation, Anhui Provincial Children's Hospital
Classification: Likely pathogenic for Autosomal dominant intellectual disability-craniofacial anomalies-cardiac defects syndrome. Last evaluated: 2026-08-19. Review status: criteria provided, single submitter. Criteria: ACMG Guidelines, 2015. Collection method: research. Allele origin: unknown. Affected: yes. Observed: 1 variant allele.
Comment: The NM_006766.5:c.4939C>T (p.Gln1647Ter) variant introduces a premature termination codon in the terminal exon of KAT6A and is predicted to escape classical nonsense-mediated decay, resulting in truncation of the C-terminal portion of the protein. The variant is absent from gnomAD and other large population datasets. Based on ACMG/AMP criteria with ClinGen-informed evidence weighting, this variant is classified as likely pathogenic.

NM_006766.5(KAT6A):c.4939C>T (p.Gln1647Ter)

Gene: KAT6A (lysine acetyltransferase 6A; minus strand). Cytogenetic location: 8p11.21.
Variant type: single nucleotide variant.
Coding change: c.4939C>T on transcript NM_006766.5 (MANE Select); coding-DNA position 4939, C replaced by T.
Protein change: p.Gln1647Ter; replaces glutamine 1647 with a stop codon.
Molecular consequence: nonsense.
Genome position (GRCh38, 1-based): chr8:41,933,281, G>A on the plus strand (C>T on the coding strand, the complement: KAT6A is on the minus strand). VCF-style: chr8-41933281-G-A. GRCh37 (hg19) VCF-style: chr8-41790799-G-A.
Other names: NP_006757.2:p.Gln1647Ter; short protein forms Q1647*.
Identifiers: ClinVar variation 4884871 (VCV004884871.1).
Genomic context (GRCh38, chr8:41,933,281, plus strand): 5'-GTGGTTGTGGCGGCGGCGGCTGTGGCTGCTGTGGAGGCGGTGGTGGCGGCTGCTGCTGCT[G>A]GTTACTGGGAGGCCTCTCCACCACGCAGCTCTGAGGTGACTTGATGCTGCAGTTGGCAGC-3'